The following is an entry in ClinVar:

ClinVar aggregate classification (germline): Uncertain significance (1 of 4 stars; one submission).

Submission:

Ambry Genetics
Classification: Uncertain significance. Last evaluated: 2022-11-25. Review status: criteria provided, single submitter. Criteria: Ambry Variant Classification Scheme 2023. Collection method: clinical testing. Allele origin: germline.
Comment: The p.C179S variant (also known as c.535T>A), located in coding exon 7 of the RAD54L gene, results from a T to A substitution at nucleotide position 535. The cysteine at codon 179 is replaced by serine, an amino acid with dissimilar properties. This amino acid position is conserved. In addition, this alteration is predicted to be deleterious by in silico analysis. Since supporting evidence is limited at this time, the clinical significance of this alteration remains unclear.

NM_003579.4(RAD54L):c.535T>A (p.Cys179Ser)

Gene: RAD54L (RAD54 like; plus strand). Cytogenetic location: 1p34.1.
Variant type: single nucleotide variant.
Coding change: c.535T>A on transcript NM_003579.4 (MANE Select); coding-DNA position 535, T replaced by A.
Protein change: p.Cys179Ser; replaces cysteine 179 with serine.
Molecular consequence: missense variant. On other transcripts: 5 prime UTR variant (1).
Genome position (GRCh38, 1-based): chr1:46,260,784, T>A. VCF-style: chr1-46260784-T-A. GRCh37 (hg19) VCF-style: chr1-46726456-T-A.
Other names: c.535T>A, p.Cys179Ser (NM_001142548.2); c.-6T>A (NM_001370766.1); short protein forms C179S.
Identifiers: ClinVar variation 2467164 (VCV002467164.2), dbSNP rs2148288192, ClinGen allele CA340185826.